The following is an entry in ClinVar:

ClinVar aggregate classification (germline): Uncertain significance (1 of 4 stars; one submission).

Allele frequency attached by ClinVar (database versions not stated): gnomAD exomes below 0.00001; ExAC 0.00001.
gnomAD v4.1: 2 of 1,614,206 alleles (0.00012%); highest among the groups gnomAD compares: East Asian, 0.0022%; no homozygotes.

Submission:

Labcorp Genetics (formerly Invitae), Labcorp
Classification: Uncertain significance. Last evaluated: 2022-01-18. Review status: criteria provided, single submitter. Criteria: Invitae Variant Classification Sherloc (09022015). Collection method: clinical testing. Allele origin: germline.
Comment: This variant has not been reported in the literature in individuals affected with RNF31-related conditions. This sequence change replaces leucine, which is neutral and non-polar, with proline, which is neutral and non-polar, at codon 187 of the RNF31 protein (p.Leu187Pro). This variant is present in population databases (rs757525950, gnomAD 0.006%). In summary, the available evidence is currently insufficient to determine the role of this variant in disease. Therefore, it has been classified as a Variant of Uncertain Significance. Algorithms developed to predict the effect of missense changes on protein structure and function (SIFT, PolyPhen-2, Align-GVGD) all suggest that this variant is likely to be tolerated.

NM_017999.5(RNF31):c.560T>C (p.Leu187Pro)

Gene: RNF31 (ring finger protein 31; plus strand). Cytogenetic location: 14q12.
Variant type: single nucleotide variant.
Coding change: c.560T>C on transcript NM_017999.5 (MANE Select); coding-DNA position 560, T replaced by C.
Protein change: p.Leu187Pro; replaces leucine 187 with proline.
Molecular consequence: missense variant.
Genome position (GRCh38, 1-based): chr14:24,148,805, T>C. VCF-style: chr14-24148805-T-C. GRCh37 (hg19) VCF-style: chr14-24618014-T-C.
Other names: c.107T>C, p.Leu36Pro (NM_001310332.2); short protein forms L187P, L36P.
Identifiers: ClinVar variation 1366804 (VCV001366804.8), dbSNP rs757525950, ClinGen allele CA7125557.